The following is an entry in ClinVar:

NM_006734.4(HIVEP2):c.1363A>T (p.Ile455Leu)

Gene: HIVEP2 (HIVEP zinc finger 2; minus strand). Cytogenetic location: 6q24.2.
Variant type: single nucleotide variant.
Coding change: c.1363A>T on transcript NM_006734.4 (MANE Select); coding-DNA position 1363, A replaced by T.
Protein change: p.Ile455Leu; replaces isoleucine 455 with leucine.
Molecular consequence: missense variant.
Genome position (GRCh38, 1-based): chr6:142,773,376, T>A on the plus strand (A>T on the coding strand, the complement: HIVEP2 is on the minus strand). VCF-style: chr6-142773376-T-A. GRCh37 (hg19) VCF-style: chr6-143094513-T-A.
Other names: c.1363A>T, p.Ile455Leu (NM_001438449.1, NM_001438450.1, NM_001438451.1); short protein forms I455L.
Identifiers: ClinVar variation 4745103 (VCV004745103.1).

ClinVar aggregate classification (germline): Uncertain significance (1 of 4 stars; one submission).

Submission:

Labcorp Genetics (formerly Invitae), Labcorp
Classification: Uncertain significance. Last evaluated: 2025-07-29. Review status: criteria provided, single submitter. Criteria: Invitae Variant Classification Sherloc (09022015). Collection method: clinical testing. Allele origin: germline.
Comment: This sequence change replaces isoleucine, which is neutral and non-polar, with leucine, which is neutral and non-polar, at codon 455 of the HIVEP2 protein (p.Ile455Leu). This variant is not present in population databases (gnomAD no frequency). This variant has not been reported in the literature in individuals affected with HIVEP2-related conditions. Invitae Evidence Modeling of protein sequence and biophysical properties (such as structural, functional, and spatial information, amino acid conservation, physicochemical variation, residue mobility, and thermodynamic stability) indicates that this missense variant is not expected to disrupt HIVEP2 protein function with a negative predictive value of 80%. In summary, the available evidence is currently insufficient to determine the role of this variant in disease. Therefore, it has been classified as a Variant of Uncertain Significance.